The following is an entry in ClinVar:

ClinVar aggregate classification (germline): Pathogenic. Review status: reviewed by expert panel (3 of 4 stars). 2 submissions from 2 submitters: Pathogenic (1). 1 of the submissions does not count toward it. Last evaluated 2017-12-15.

Conditions:
Hereditary breast ovarian cancer syndrome. Also called: Hereditary breast and ovarian cancer syndrome; Hereditary breast and/or ovarian cancer syndrome; BRCA1- and BRCA2-Associated Hereditary Breast and Ovarian Cancer; Hereditary breast and ovarian cancer syndrome (HBOC); Hereditary breast and ovarian cancer; Breast and ovarian cancer. Identifiers: Orphanet 145, MedGen C0677776, MeSH D061325, MONDO:0003582. Disease mechanism: loss of function.
Breast-ovarian cancer, familial, susceptibility to, 2 (BROVCA2). Also called: BRCA2 Hereditary Breast and Ovarian Cancer. Identifiers: Orphanet 145, MedGen C2675520, MONDO:0012933, OMIM 612555. Disease mechanism: loss of function.

Submissions (2):

Evidence-based Network for the Interpretation of Germline Mutant Alleles (ENIGMA)
Classification: Pathogenic for Breast-ovarian cancer, familial, susceptibility to, 2. Last evaluated: 2017-12-15. Review status: reviewed by expert panel. Criteria: ENIGMA BRCA1/2 Classification Criteria (2017-06-29). Collection method: curation. Allele origin: germline. Study: ENIGMA.
Comment: Variant allele predicted to encode a truncated non-functional protein.

Labcorp Genetics (formerly Invitae), Labcorp
Classification: Pathogenic for Hereditary breast ovarian cancer syndrome. Last evaluated: 2021-12-08. Review status: criteria provided, single submitter. Criteria: Invitae Variant Classification Sherloc (09022015). Collection method: clinical testing. Allele origin: germline. Not counted in ClinVar's aggregate classification.
Comment: ClinVar contains an entry for this variant (Variation ID: 409464). This sequence change creates a premature translational stop signal (p.Lys68Serfs*7) in the BRCA2 gene. It is expected to result in an absent or disrupted protein product. Loss-of-function variants in BRCA2 are known to be pathogenic (PMID: 20104584). This variant is not present in population databases (gnomAD no frequency). This premature translational stop signal has been observed in individual(s) with breast cancer (PMID: 30635808). For these reasons, this variant has been classified as Pathogenic.

Literature cited by the submitters: PubMed 20104584 (cited by Labcorp Genetics (formerly Invitae), Labcorp); PubMed 30635808 (cited by Labcorp Genetics (formerly Invitae), Labcorp).

NM_000059.4(BRCA2):c.203_218del (p.Lys68fs)

Gene: BRCA2 (BRCA2 DNA repair associated; plus strand). Cytogenetic location: 13q13.1.
Variant type: Deletion.
Coding change: c.203_218del on transcript NM_000059.4 (MANE Select); coding-DNA positions 203 to 218, 16 bases deleted (AACCATCTTATAATCA).
Protein change: p.Lys68fs; shifts the reading frame from lysine 68.
Molecular consequence: frameshift variant.
Genome position (GRCh38, 1-based): chr13:32,319,212-32,319,227, AACCATCTTATAATCA deleted; deleting any 16 consecutive bases within chr13:32,319,211-32,319,227 gives the same sequence; the c. name uses the placement nearest the transcript's 3' end. VCF-style (leftmost placement, unchanged base first): chr13-32319210-GAAACCATCTTATAATC-G. GRCh37 (hg19) VCF-style: chr13-32893347-GAAACCATCTTATAATC-G.
Other names: c.203_218delAACCATCTTATAATCA (NM_000059.3); short protein forms K68fs.
Identifiers: ClinVar variation 409464 (VCV000409464.9), dbSNP rs1064792960, ClinGen allele CA16613896.